The following is an entry in ClinVar:

ClinVar aggregate classification (germline): Pathogenic (1 of 4 stars; one submission).

Conditions:
Fanconi anemia (FA). Also called: Fanconi's anemia. Identifiers: Orphanet 84, MedGen C0015625, MeSH D005199, MONDO:0019391.

Submission:

Labcorp Genetics (formerly Invitae), Labcorp
Classification: Pathogenic for Fanconi anemia. Last evaluated: 2024-03-05. Review status: criteria provided, single submitter. Criteria: Invitae Variant Classification Sherloc (09022015). Collection method: clinical testing. Allele origin: germline.
Comment: This sequence change creates a premature translational stop signal (p.Gln97*) in the FANCG gene. It is expected to result in an absent or disrupted protein product. Loss-of-function variants in FANCG are known to be pathogenic (PMID: 12552564). This variant is not present in population databases (gnomAD no frequency). This variant has not been reported in the literature in individuals affected with FANCG-related conditions. Algorithms developed to predict the effect of sequence changes on RNA splicing suggest that this variant may disrupt the consensus splice site. For these reasons, this variant has been classified as Pathogenic.

Literature cited by the submitters: PubMed 12552564.

NM_004629.2(FANCG):c.289C>T (p.Gln97Ter)

Gene: FANCG (FA complementation group G; minus strand). Cytogenetic location: 9p13.3.
Variant type: single nucleotide variant.
Coding change: c.289C>T on transcript NM_004629.2 (MANE Select); coding-DNA position 289, C replaced by T.
Protein change: p.Gln97Ter; replaces glutamine 97 with a stop codon.
Molecular consequence: nonsense.
Genome position (GRCh38, 1-based): chr9:35,078,623, G>A on the plus strand (C>T on the coding strand, the complement: FANCG is on the minus strand). VCF-style: chr9-35078623-G-A. GRCh37 (hg19) VCF-style: chr9-35078620-G-A.
Other names: short protein forms Q97*.
Identifiers: ClinVar variation 3670807 (VCV003670807.2).